The following is an entry in ClinVar:

NM_078629.4(MSL3):c.967A>T (p.Thr323Ser)

Gene: MSL3 (MSL complex subunit 3; plus strand). Cytogenetic location: Xp22.2.
Variant type: single nucleotide variant.
Coding change: c.967A>T on transcript NM_078629.4 (MANE Select); coding-DNA position 967, A replaced by T.
Protein change: p.Thr323Ser; replaces threonine 323 with serine.
Molecular consequence: missense variant.
Genome position (GRCh38, 1-based): chrX:11,765,525, A>T. VCF-style: chrX-11765525-A-T. GRCh37 (hg19) VCF-style: chrX-11783644-A-T.
Other names: c.931A>T, p.Thr311Ser (NM_001193270.2); c.520A>T, p.Thr174Ser (NM_001282174.1); c.469A>T, p.Thr157Ser (NM_006800.4); c.967A>T, p.Thr323Ser (NM_078628.2); short protein forms T157S, T174S, T311S, T323S.
Identifiers: ClinVar variation 4077366 (VCV004077366.1).
Genomic context (GRCh38, chrX:11,765,525, plus strand): 5'-AGGAGCCAGGAGGAACTCTCTCCCAGTCCGCCTTTGTTGAATCCATCCACGCCACAGTCC[A>T]CAGAGAGTCAGCCGACCACCGGTGAACCAGCCACCCCCAAAAGGCGCAAAGCTGAGCCAG-3'
Protein context (NP_523353.2, residues 313-333): PLLNPSTPQS[Thr323Ser]ESQPTTGEPA

ClinVar aggregate classification (germline): Uncertain significance (1 of 4 stars; one submission).

Submission:

GeneDx
Classification: Uncertain significance. Last evaluated: 2025-02-28. Review status: criteria provided, single submitter. Criteria: GeneDx Variant Classification Process June 2021. Collection method: clinical testing. Allele origin: germline. Affected: yes.
Comment: Not observed at significant frequency in large population cohorts (gnomAD); In silico analysis indicates that this missense variant does not alter protein structure/function; Has not been previously published as pathogenic or benign to our knowledge